The following is an entry in ClinVar:

ClinVar aggregate classification (germline): Likely pathogenic (1 of 4 stars; one submission).

Conditions:
Telangiectasia, hereditary hemorrhagic, type 2 (HHT2). Also called: Telangiectasia, hereditary hemorrhagic, type II; ACVRL1-Related Hereditary Hemorrhagic Telangiectasia. Identifiers: Orphanet 774, MedGen C1838163, MONDO:0010880, OMIM 600376. Disease mechanism: loss of function.

Submission:

Labcorp Genetics (formerly Invitae), Labcorp
Classification: Likely pathogenic for Telangiectasia, hereditary hemorrhagic, type 2. Last evaluated: 2025-01-16. Review status: criteria provided, single submitter. Criteria: Invitae Variant Classification Sherloc (09022015). Collection method: clinical testing. Allele origin: germline.
Comment: This sequence change affects an acceptor splice site in intron 8 of the ACVRL1 gene. It is expected to disrupt RNA splicing. Variants that disrupt the donor or acceptor splice site typically lead to a loss of protein function (PMID: 16199547), and loss-of-function variants in ACVRL1 are known to be pathogenic (PMID: 15879500). This variant is not present in population databases (gnomAD no frequency). This variant has not been reported in the literature in individuals affected with ACVRL1-related conditions. Algorithms developed to predict the effect of sequence changes on RNA splicing suggest that this variant may disrupt the consensus splice site. In summary, the currently available evidence indicates that the variant is pathogenic, but additional data are needed to prove that conclusively. Therefore, this variant has been classified as Likely Pathogenic.

Literature cited by the submitters: PubMed 16199547; PubMed 15879500.

NM_000020.3(ACVRL1):c.1247-2A>G

Gene: ACVRL1 (activin A receptor like type 1; plus strand). Cytogenetic location: 12q13.13.
Variant type: single nucleotide variant.
Coding change: c.1247-2A>G on transcript NM_000020.3 (MANE Select); the canonical splice acceptor site of the intron before coding-DNA position 1247, A replaced by G.
Molecular consequence: splice acceptor variant.
Genome position (GRCh38, 1-based): chr12:51,918,983, A>G. VCF-style: chr12-51918983-A-G. GRCh37 (hg19) VCF-style: chr12-52312767-A-G.
Other names: c.1247-2A>G (NM_001406489.1, NM_001406487.1, NM_001406488.1 and 1 more transcripts); c.935-2A>G (NM_001406493.1, NM_001406491.1, NM_001406492.1); c.1091-2A>G (NM_001406490.1); c.737-2A>G (NM_001406494.1); c.683-2A>G (NM_001406495.1).
Identifiers: ClinVar variation 3729075 (VCV003729075.2).
Genomic context (GRCh38, chr12:51,918,983, plus strand): 5'-CTGGGTGGTATTGGGCCTCCTTAGAGTCCCAAGTGATTGTCCTGTCCATTCTCCATTTCC[A>G]GGCATCGTGGAGGACTATAGACCACCCTTCTATGATGTGGTGCCCAATGACCCCAGCTTT-3'